The following is an entry in ClinVar:

NM_001385125.1(OPN1SW):c.819dup (p.Asn274Ter)

Gene: OPN1SW (opsin 1, short wave sensitive; minus strand). Cytogenetic location: 7q32.1.
Variant type: Duplication.
Coding change: c.819dup on transcript NM_001385125.1 (MANE Select); coding-DNA position 819, one base duplicated (T; older notation c.819dupT).
Protein change: p.Asn274Ter; replaces asparagine 274 with a stop codon.
Molecular consequence: nonsense.
Genome position (GRCh38, 1-based): chr7:128,773,748, A duplicated on the plus strand (T on the coding strand, the reverse complement: OPN1SW is on the minus strand). VCF-style (leftmost placement, unchanged base first): chr7-128773747-T-TA. GRCh37 (hg19) VCF-style: chr7-128413801-T-TA.
Other names: short protein forms N274*.
Identifiers: ClinVar variation 3631769 (VCV003631769.2).

ClinVar aggregate classification (germline): Uncertain significance (1 of 4 stars; one submission).

Submission:

Labcorp Genetics (formerly Invitae), Labcorp
Classification: Uncertain significance. Last evaluated: 2024-09-21. Review status: criteria provided, single submitter. Criteria: Invitae Variant Classification Sherloc (09022015). Collection method: clinical testing. Allele origin: germline.
Comment: This sequence change creates a premature translational stop signal (p.Asn277*) in the OPN1SW gene. It is expected to result in an absent or disrupted protein product. However, the current clinical and genetic evidence is not sufficient to establish whether loss-of-function variants in OPN1SW cause disease. This variant is present in population databases (rs761820315, gnomAD 0.003%). This variant has not been reported in the literature in individuals affected with OPN1SW-related conditions. In summary, the available evidence is currently insufficient to determine the role of this variant in disease. Therefore, it has been classified as a Variant of Uncertain Significance.